The following is an entry in ClinVar:

ClinVar aggregate classification (germline): Uncertain significance (1 of 4 stars; one submission).

gnomAD v4.1: 1 of 1,614,106 alleles (0.000062%); highest among the groups gnomAD compares: Non-Finnish European, 0.000085%; no homozygotes.

Submission:

Labcorp Genetics (formerly Invitae), Labcorp
Classification: Uncertain significance. Last evaluated: 2023-10-28. Review status: criteria provided, single submitter. Criteria: Invitae Variant Classification Sherloc (09022015). Collection method: clinical testing. Allele origin: germline.
Comment: This sequence change replaces histidine, which is basic and polar, with glutamine, which is neutral and polar, at codon 405 of the FBXW4 protein (p.His405Gln). This variant is not present in population databases (gnomAD no frequency). This variant has not been reported in the literature in individuals affected with FBXW4-related conditions. An algorithm developed to predict the effect of missense changes on protein structure and function (PolyPhen-2) suggests that this variant is likely to be tolerated. In summary, the available evidence is currently insufficient to determine the role of this variant in disease. Therefore, it has been classified as a Variant of Uncertain Significance.

NM_022039.4(FBXW4):c.1680C>A (p.His560Gln)

Gene: FBXW4 (F-box and WD repeat domain containing 4; minus strand). Cytogenetic location: 10q24.32.
Variant type: single nucleotide variant.
Coding change: c.1680C>A on transcript NM_022039.4 (MANE Select); coding-DNA position 1680, C replaced by A.
Protein change: p.His560Gln; replaces histidine 560 with glutamine.
Molecular consequence: missense variant. On other transcripts: non-coding transcript variant (1).
Genome position (GRCh38, 1-based): chr10:101,611,315, G>T on the plus strand (C>A on the coding strand, the complement: FBXW4 is on the minus strand). VCF-style: chr10-101611315-G-T. GRCh37 (hg19) VCF-style: chr10-103371072-G-T.
Other names: c.954C>A, p.His318Gln (NM_001323541.2); short protein forms H318Q, H560Q.
Identifiers: ClinVar variation 2772510 (VCV002772510.3), dbSNP rs1419913228, ClinGen allele CA378239776.